The following is an entry in ClinVar:

NM_033004.4(NLRP1):c.143C>T (p.Thr48Met)

Gene: NLRP1 (NLR family pyrin domain containing 1; minus strand). Cytogenetic location: 17p13.2.
Variant type: single nucleotide variant.
Coding change: c.143C>T on transcript NM_033004.4 (MANE Select); coding-DNA position 143, C replaced by T.
Protein change: p.Thr48Met; replaces threonine 48 with methionine.
Molecular consequence: missense variant.
Genome position (GRCh38, 1-based): chr17:5,583,815, G>A on the plus strand (C>T on the coding strand, the complement: NLRP1 is on the minus strand). VCF-style: chr17-5583815-G-A. GRCh37 (hg19) VCF-style: chr17-5487135-G-A.
Other names: c.143C>T, p.Thr48Met (NM_001033053.3, NM_014922.5, NM_033006.4 and 1 more transcripts); short protein forms T48M.
Identifiers: ClinVar variation 1350057 (VCV001350057.8), dbSNP rs368786124, ClinGen allele CA8327643.

ClinVar aggregate classification (germline): Uncertain significance (1 of 4 stars; one submission).

Allele frequency attached by ClinVar (database versions not stated): gnomAD 0.00001; TOPMed 0.00002; gnomAD exomes 0.00004 and 0.00012; ExAC 0.00042.
gnomAD v4.1: 59 of 1,561,430 alleles (0.0038%); highest among the groups gnomAD compares: South Asian, 0.042%; 1 homozygote.

Submission:

Labcorp Genetics (formerly Invitae), Labcorp
Classification: Uncertain significance. Last evaluated: 2025-12-15. Review status: criteria provided, single submitter. Criteria: Invitae Variant Classification Sherloc (09022015). Collection method: clinical testing. Allele origin: germline.
Comment: This sequence change replaces threonine, which is neutral and polar, with methionine, which is neutral and non-polar, at codon 48 of the NLRP1 protein (p.Thr48Met). This variant is present in population databases (rs368786124, gnomAD 0.05%). This variant has not been reported in the literature in individuals affected with NLRP1-related conditions. ClinVar contains an entry for this variant (Variation ID: 1350057). An algorithm developed to predict the effect of missense changes on protein structure and function outputs the following: PolyPhen-2: "Benign". The methionine amino acid residue is found in multiple mammalian species, which suggests that this missense change does not adversely affect protein function. In summary, the available evidence is currently insufficient to determine the role of this variant in disease. Therefore, it has been classified as a Variant of Uncertain Significance.